The following is an entry in ClinVar:

ClinVar aggregate classification (germline): Uncertain significance. Review status: criteria provided, multiple submitters, no conflicts (2 of 4 stars). 4 submissions from 4 submitters: Uncertain significance (4). Last evaluated 2025-03-04.

Conditions:
Hereditary cancer-predisposing syndrome. Also called: Neoplastic Syndromes, Hereditary; Hereditary neoplastic syndrome; Tumor predisposition; Hereditary Cancer Syndrome. Identifiers: Orphanet 140162, MedGen C0027672, MeSH D009386, MONDO:0015356.
Fanconi anemia complementation group O. Also called: RAD51C-Related Fanconi Anemia. Identifiers: Orphanet 84, MedGen C3150653, MONDO:0013248, OMIM 613390.

Submissions (4):

Center for Genomic Medicine, Rigshospitalet, Copenhagen University Hospital
Classification: Uncertain significance. Last evaluated: 2025-03-04. Review status: criteria provided, single submitter. Criteria: ACMG Guidelines, 2015. Collection method: clinical testing. Allele origin: germline.

Color Diagnostics, LLC DBA Color Health
Classification: Uncertain significance for Hereditary cancer-predisposing syndrome. Last evaluated: 2023-02-06. Review status: criteria provided, single submitter. Criteria: ACMG Guidelines, 2015. Collection method: clinical testing. Allele origin: germline.
Comment: This missense variant replaces proline with serine at codon 145 of the RAD51C protein. Computational prediction is inconclusive regarding the impact of this variant on protein structure and function (internally defined REVEL score threshold 0.5 < inconclusive < 0.7, PMID: 27666373). To our knowledge, functional studies have not been reported for this variant. This variant has not been reported in individuals affected with RAD51C-related disorders in the literature. This variant has not been identified in the general population by the Genome Aggregation Database (gnomAD). The available evidence is insufficient to determine the role of this variant in disease conclusively. Therefore, this variant is classified as a Variant of Uncertain Significance.

Labcorp Genetics (formerly Invitae), Labcorp
Classification: Uncertain significance for Fanconi anemia complementation group O. Last evaluated: 2022-02-23. Review status: criteria provided, single submitter. Criteria: Invitae Variant Classification Sherloc (09022015). Collection method: clinical testing. Allele origin: germline.
Comment: In summary, the available evidence is currently insufficient to determine the role of this variant in disease. Therefore, it has been classified as a Variant of Uncertain Significance. Advanced modeling of protein sequence and biophysical properties (such as structural, functional, and spatial information, amino acid conservation, physicochemical variation, residue mobility, and thermodynamic stability) performed at Invitae indicates that this missense variant is expected to disrupt RAD51C protein function. ClinVar contains an entry for this variant (Variation ID: 660642). This variant has not been reported in the literature in individuals affected with RAD51C-related conditions. This variant is not present in population databases (gnomAD no frequency). This sequence change replaces proline, which is neutral and non-polar, with serine, which is neutral and polar, at codon 145 of the RAD51C protein (p.Pro145Ser).

Ambry Genetics
Classification: Uncertain significance for Hereditary cancer-predisposing syndrome. Last evaluated: 2021-01-27. Review status: criteria provided, single submitter. Criteria: Ambry Variant Classification Scheme 2023. Collection method: clinical testing. Allele origin: germline.
Comment: The p.P145S variant (also known as c.433C>T), located in coding exon 3 of the RAD51C gene, results from a C to T substitution at nucleotide position 433. The proline at codon 145 is replaced by serine, an amino acid with similar properties. This amino acid position is highly conserved in available vertebrate species. In addition, this alteration is predicted to be deleterious by in silico analysis. Since supporting evidence is limited at this time, the clinical significance of this alteration remains unclear.

NM_058216.3(RAD51C):c.433C>T (p.Pro145Ser)

Gene: RAD51C (RAD51 paralog C; plus strand). Cytogenetic location: 17q22.
Variant type: single nucleotide variant.
Coding change: c.433C>T on transcript NM_058216.3 (MANE Select); coding-DNA position 433, C replaced by T.
Protein change: p.Pro145Ser; replaces proline 145 with serine.
Molecular consequence: missense variant.
Genome position (GRCh38, 1-based): chr17:58,696,721, C>T. VCF-style: chr17-58696721-C-T. GRCh37 (hg19) VCF-style: chr17-56774082-C-T.
Other names: short protein forms P145S.
Identifiers: ClinVar variation 660642 (VCV000660642.13), dbSNP rs1555594594, ClinGen allele CA400344044.